The following is an entry in ClinVar:

ClinVar aggregate classification (germline): Pathogenic (1 of 4 stars; one submission).

Conditions:
Neurofibromatosis, type 1 (NF1). Also called: Peripheral type neurofibromatosis; Neurofibromatosis, type I; VON RECKLINGHAUSEN DISEASE; NEUROFIBROMATOSIS, TYPE I, SOMATIC. Identifiers: Orphanet 636, MedGen C0027831, MONDO:0018975, OMIM 162200. Disease mechanism: loss of function.

Submission:

Labcorp Genetics (formerly Invitae), Labcorp
Classification: Pathogenic for Neurofibromatosis, type 1. Last evaluated: 2019-07-01. Review status: criteria provided, single submitter. Criteria: Invitae Variant Classification Sherloc (09022015). Collection method: clinical testing. Allele origin: germline.
Comment: This sequence change creates a premature translational stop signal (p.Ser2326Lysfs*7) in the NF1 gene. It is expected to result in an absent or disrupted protein product. This variant is not present in population databases (ExAC no frequency). This variant has not been reported in the literature in individuals with NF1-related conditions. Loss-of-function variants in NF1 are known to be pathogenic (PMID: 10712197, 23913538). For these reasons, this variant has been classified as Pathogenic.

Literature cited by the submitters: PubMed 10712197; PubMed 23913538.

NM_001042492.3(NF1):c.7039dup (p.Ser2347fs)

Gene: NF1 (neurofibromin 1; plus strand). Cytogenetic location: 17q11.2.
Variant type: Duplication.
Coding change: c.7039dup on transcript NM_001042492.3 (MANE Select); coding-DNA position 7039, one base duplicated (A; older notation c.7039dupA).
Protein change: p.Ser2347fs; shifts the reading frame from serine 2347.
Molecular consequence: frameshift variant.
Genome position (GRCh38, 1-based): chr17:31,340,622, A duplicated. VCF-style (leftmost placement, unchanged base first): chr17-31340621-T-TA. GRCh37 (hg19) VCF-style: chr17-29667639-T-TA.
Other names: c.6976dup, p.Ser2326Lysfs (NM_000267.4); short protein forms S2326fs, S2347fs.
Identifiers: ClinVar variation 948881 (VCV000948881.6), dbSNP rs2069794139, ClinGen allele CA1139665464.